The following is an entry in ClinVar:

NM_001040716.2(PC):c.3067T>C (p.Phe1023Leu)

Gene: PC (pyruvate carboxylase; minus strand). Cytogenetic location: 11q13.2.
Variant type: single nucleotide variant.
Coding change: c.3067T>C on transcript NM_001040716.2 (MANE Select); coding-DNA position 3067, T replaced by C.
Protein change: p.Phe1023Leu; replaces phenylalanine 1023 with leucine.
Molecular consequence: missense variant.
Genome position (GRCh38, 1-based): chr11:66,849,691, A>G on the plus strand (T>C on the coding strand, the complement: PC is on the minus strand). VCF-style: chr11-66849691-A-G. GRCh37 (hg19) VCF-style: chr11-66617162-A-G.
Other names: c.3067T>C, p.Phe1023Leu (NM_000920.4, NM_022172.3); short protein forms F1023L.
Identifiers: ClinVar variation 1810640 (VCV001810640.1), dbSNP rs200315043, ClinGen allele CA6130910.

ClinVar aggregate classification (germline): Uncertain significance (1 of 4 stars; one submission).

Allele frequency attached by ClinVar (database versions not stated): gnomAD exomes below 0.00001; TOPMed below 0.00001; ExAC 0.00002; gnomAD 0.00002; 1000 Genomes Project 0.00020; 1000 Genomes Project 30x 0.00031.

Submission:

GeneDx
Classification: Uncertain significance. Last evaluated: 2023-01-05. Review status: criteria provided, single submitter. Criteria: GeneDx Variant Classification Process June 2021. Collection method: clinical testing. Allele origin: germline. Affected: yes.
Comment: In silico analysis supports that this missense variant has a deleterious effect on protein structure/function; Has not been previously published as pathogenic or benign to our knowledge